The following is an entry in ClinVar:

NM_000238.4(KCNH2):c.3128A>C (p.Asp1043Ala)

Gene: KCNH2 (potassium voltage-gated channel subfamily H member 2; minus strand). Cytogenetic location: 7q36.1.
Variant type: single nucleotide variant.
Coding change: c.3128A>C on transcript NM_000238.4 (MANE Select); coding-DNA position 3128, A replaced by C.
Protein change: p.Asp1043Ala; replaces aspartic acid 1043 with alanine.
Molecular consequence: missense variant. On other transcripts: non-coding transcript variant (2).
Genome position (GRCh38, 1-based): chr7:150,947,352, T>G on the plus strand (A>C on the coding strand, the complement: KCNH2 is on the minus strand). VCF-style: chr7-150947352-T-G. GRCh37 (hg19) VCF-style: chr7-150644440-T-G.
Other names: c.2840A>C, p.Asp947Ala (NM_001406753.1); c.2108A>C, p.Asp703Ala (NM_172057.3); short protein forms D947A, D1043A, D703A.
Identifiers: ClinVar variation 3691718 (VCV003691718.3).

ClinVar aggregate classification (germline): Uncertain significance. Review status: criteria provided, multiple submitters, no conflicts (2 of 4 stars). 2 submissions from 2 submitters: Uncertain significance (2). Last evaluated 2026-03-30.

Conditions:
Cardiovascular phenotype. Identifiers: MedGen CN230736.
Long QT syndrome (LQTS). Identifiers: MedGen C0023976, MeSH D008133, MONDO:0002442. Disease mechanism: loss of function. Inheritance: Various modes of inheritance.

gnomAD v4.1: 2 of 1,544,592 alleles (0.00013%); highest among the groups gnomAD compares: Non-Finnish European, 0.00017%; no homozygotes.

Submissions (2):

Ambry Genetics
Classification: Uncertain significance for Cardiovascular phenotype. Last evaluated: 2026-03-30. Review status: criteria provided, single submitter. Criteria: Ambry Variant Classification Scheme 2023. Collection method: clinical testing. Allele origin: germline.
Comment: The p.D1043A variant (also known as c.3128A>C), located in coding exon 13 of the KCNH2 gene, results from an A to C substitution at nucleotide position 3128. The aspartic acid at codon 1043 is replaced by alanine, an amino acid with dissimilar properties. This amino acid position is conserved. In addition, the in silico prediction for this alteration is inconclusive. Based on the available evidence, the clinical significance of this variant remains unclear.

Labcorp Genetics (formerly Invitae), Labcorp
Classification: Uncertain significance for Long QT syndrome. Last evaluated: 2024-04-24. Review status: criteria provided, single submitter. Criteria: Invitae Variant Classification Sherloc (09022015). Collection method: clinical testing. Allele origin: germline.
Comment: This sequence change replaces aspartic acid, which is acidic and polar, with alanine, which is neutral and non-polar, at codon 1043 of the KCNH2 protein (p.Asp1043Ala). This variant is not present in population databases (gnomAD no frequency). This variant has not been reported in the literature in individuals affected with KCNH2-related conditions. An algorithm developed to predict the effect of missense changes on protein structure and function (PolyPhen-2) suggests that this variant is likely to be disruptive. In summary, the available evidence is currently insufficient to determine the role of this variant in disease. Therefore, it has been classified as a Variant of Uncertain Significance.